The following is an entry in ClinVar:

ClinVar aggregate classification (germline): Uncertain significance. Review status: criteria provided, multiple submitters, no conflicts (2 of 4 stars). 2 submissions from 2 submitters: Uncertain significance (2). Last evaluated 2025-10-18.

Allele frequency attached by ClinVar (database versions not stated): gnomAD 0.00001; ExAC 0.00002; gnomAD exomes 0.00001.

Submissions (2):

Labcorp Genetics (formerly Invitae), Labcorp
Classification: Uncertain significance. Last evaluated: 2025-10-18. Review status: criteria provided, single submitter. Criteria: Invitae Variant Classification Sherloc (09022015). Collection method: clinical testing. Allele origin: germline.
Comment: This sequence change replaces methionine, which is neutral and non-polar, with valine, which is neutral and non-polar, at codon 151 of the PSMA3 protein (p.Met151Val). This variant is present in population databases (rs745650809, gnomAD 0.01%). This variant has not been reported in the literature in individuals affected with PSMA3-related conditions. ClinVar contains an entry for this variant (Variation ID: 2865934). An algorithm developed to predict the effect of missense changes on protein structure and function (PolyPhen-2) suggests that this variant is likely to be tolerated. In summary, the available evidence is currently insufficient to determine the role of this variant in disease. Therefore, it has been classified as a Variant of Uncertain Significance.

Ambry Genetics
Classification: Uncertain significance. Last evaluated: 2025-09-04. Review status: criteria provided, single submitter. Criteria: Ambry Variant Classification Scheme 2023. Collection method: clinical testing. Allele origin: germline.

NM_002788.4(PSMA3):c.451A>G (p.Met151Val)

Gene: PSMA3 (proteasome 20S subunit alpha 3; plus strand). Cytogenetic location: 14q23.1.
Variant type: single nucleotide variant.
Coding change: c.451A>G on transcript NM_002788.4 (MANE Select); coding-DNA position 451, A replaced by G.
Protein change: p.Met151Val; replaces methionine 151 with valine.
Molecular consequence: missense variant. On other transcripts: non-coding transcript variant (1).
Genome position (GRCh38, 1-based): chr14:58,260,994, A>G. VCF-style: chr14-58260994-A-G. GRCh37 (hg19) VCF-style: chr14-58727712-A-G.
Other names: c.451A>G (NM_002788.3); c.430A>G, p.Met144Val (NM_152132.3); short protein forms M144V, M151V.
Identifiers: ClinVar variation 2865934 (VCV002865934.4), dbSNP rs745650809, ClinGen allele CA7203779.
Genomic context (GRCh38, chr14:58,260,994, plus strand): 5'-ATACTTTCATGCAGTTTCATGTTAGGGTCTTACAGTGTGAATGACGGTGCGCAACTCTAC[A>G]TGATTGACCCATCAGGTGTTTCATACGTGAGTAATTTTGAATCATTTGAAATTCTATTTT-3'
Protein context (NP_002779.1, residues 141-161): YSVNDGAQLY[Met151Val]IDPSGVSYGY